The following is an entry in ClinVar:

NM_001130438.3(SPTAN1):c.796G>A (p.Glu266Lys)

Gene: SPTAN1 (spectrin alpha, non-erythrocytic 1; plus strand). Cytogenetic location: 9q34.11.
Variant type: single nucleotide variant.
Coding change: c.796G>A on transcript NM_001130438.3 (MANE Select); coding-DNA position 796, G replaced by A.
Protein change: p.Glu266Lys; replaces glutamic acid 266 with lysine.
Molecular consequence: missense variant.
Genome position (GRCh38, 1-based): chr9:128,577,139, G>A. VCF-style: chr9-128577139-G-A. GRCh37 (hg19) VCF-style: chr9-131339418-G-A.
Other names: c.796G>A, p.Glu266Lys (NM_001438441.1, NM_001438442.1, NM_001438443.1 and 10 more transcripts); c.832G>A, p.Glu278Lys (NM_001375312.2, NM_001375318.1, NM_001438440.1); short protein forms E266K, E278K.
Identifiers: ClinVar variation 4086670 (VCV004086670.1).

ClinVar aggregate classification (germline): Uncertain significance (1 of 4 stars; one submission).

Submission:

GeneDx
Classification: Uncertain significance. Last evaluated: 2025-03-18. Review status: criteria provided, single submitter. Criteria: GeneDx Variant Classification Process June 2021. Collection method: clinical testing. Allele origin: germline. Affected: yes.
Comment: Not observed at significant frequency in large population cohorts (gnomAD); In silico analysis supports that this missense variant has a deleterious effect on protein structure/function; Has not been previously published as pathogenic or benign to our knowledge